The following is an entry in ClinVar:

NM_024747.6(HPS6):c.676G>A (p.Val226Met)

Gene: HPS6 (HPS6 biogenesis of lysosomal organelles complex 2 subunit 3; plus strand). Cytogenetic location: 10q24.32.
Variant type: single nucleotide variant.
Coding change: c.676G>A on transcript NM_024747.6 (MANE Select); coding-DNA position 676, G replaced by A.
Protein change: p.Val226Met; replaces valine 226 with methionine.
Molecular consequence: missense variant.
Genome position (GRCh38, 1-based): chr10:102,066,150, G>A. VCF-style: chr10-102066150-G-A. GRCh37 (hg19) VCF-style: chr10-103825907-G-A.
Other names: short protein forms V226M.
Identifiers: ClinVar variation 3389174 (VCV003389174.14).

ClinVar aggregate classification (germline): Uncertain significance (1 of 4 stars; one submission).

Submission:

CeGaT Center for Human Genetics Tuebingen
Classification: Uncertain significance. Last evaluated: 2024-09-01. Review status: criteria provided, single submitter. Criteria: CeGaT Center For Human Genetics Tuebingen Variant Classification Criteria Version 2. Collection method: clinical testing. Allele origin: germline. Affected: yes. Observed: 1 variant allele.
Comment: HPS6: PM2, BP4